The following is an entry in ClinVar:

ClinVar aggregate classification (germline): Likely benign (1 of 4 stars; one submission).

Allele frequency attached by ClinVar (database versions not stated): gnomAD exomes below 0.00001; TOPMed below 0.00001; ExAC 0.00001; gnomAD 0.00001; ESP Exome Variant Server 0.00008.
gnomAD v4.1: 3 of 1,612,874 alleles (0.00019%); highest among the groups gnomAD compares: Non-Finnish European, 0.00025%; no homozygotes.

Submission:

GeneDx
Classification: Likely benign. Last evaluated: 2016-08-05. Review status: criteria provided, single submitter. Criteria: GeneDx Variant Classification (06012015). Collection method: clinical testing. Allele origin: germline. Affected: yes.
Comment: This variant is considered likely benign or benign based on one or more of the following criteria: it is a conservative change, it occurs at a poorly conserved position in the protein, it is predicted to be benign by multiple in silico algorithms, and/or has population frequency not consistent with disease.

NM_000178.4(GSS):c.1302-3T>C

Gene: GSS (glutathione synthetase; minus strand). Cytogenetic location: 20q11.22.
Variant type: single nucleotide variant.
Coding change: c.1302-3T>C on transcript NM_000178.4 (MANE Select); 3 bases into the intron before coding-DNA position 1302, T replaced by C.
Molecular consequence: intron variant.
Genome position (GRCh38, 1-based): chr20:34,928,954, A>G on the plus strand (T>C on the coding strand, the complement: GSS is on the minus strand). VCF-style: chr20-34928954-A-G. GRCh37 (hg19) VCF-style: chr20-33516757-A-G.
Other names: c.1302-3T>C (LRG_1168t1, NM_001322494.1, NM_001322495.1).
Identifiers: ClinVar variation 388152 (VCV000388152.1), dbSNP rs374682233, ClinGen allele CA9825812.